The following is an entry in ClinVar:

NM_000051.4(ATM):c.652C>T (p.Gln218Ter)

Gene: ATM (ATM serine/threonine kinase; plus strand). Cytogenetic location: 11q22.3.
Variant type: single nucleotide variant.
Coding change: c.652C>T on transcript NM_000051.4 (MANE Select); coding-DNA position 652, C replaced by T.
Protein change: p.Gln218Ter; replaces glutamine 218 with a stop codon.
Molecular consequence: nonsense.
Genome position (GRCh38, 1-based): chr11:108,244,108, C>T. VCF-style: chr11-108244108-C-T. GRCh37 (hg19) VCF-style: chr11-108114835-C-T.
Other names: c.652C>T, p.Gln218Ter (NM_001351834.2); short protein forms Q218*.
Identifiers: ClinVar variation 451807 (VCV000451807.28), dbSNP rs1555066551, ClinGen allele CA382528550.

ClinVar aggregate classification (germline): Pathogenic/Likely pathogenic. Review status: criteria provided, multiple submitters, no conflicts (2 of 4 stars). 10 submissions from 10 submitters: Pathogenic (8); Likely pathogenic (2). Last evaluated 2025-11-04.

Conditions:
Hereditary cancer-predisposing syndrome. Also called: Hereditary neoplastic syndrome; Neoplastic Syndromes, Hereditary; Hereditary Cancer Syndrome; Tumor predisposition. Identifiers: Orphanet 140162, MedGen C0027672, MeSH D009386, MONDO:0015356.
Ataxia-telangiectasia syndrome (AT). Also called: Ataxia telangiectasia (A-T); LOUIS-BAR SYNDROME; Cerebello-oculocutaneous telangiectasia; Immunodeficiency with ataxia telangiectasia; Ataxia-telangiectasia, complementation group D; AT, COMPLEMENTATION GROUP C. Identifiers: Orphanet 100, MedGen C0004135, MONDO:0008840, OMIM 208900.
Familial cancer of breast. Also called: hereditary breast carcinoma; Hereditary breast cancer; BREAST CANCER, FAMILIAL. Identifiers: Orphanet 227535, MedGen C0346153, MONDO:0016419, OMIM 114480. Disease mechanism: loss of function.

Submissions (10):

Labcorp Genetics (formerly Invitae), Labcorp
Classification: Pathogenic for Ataxia-telangiectasia syndrome. Last evaluated: 2025-11-04. Review status: criteria provided, single submitter. Criteria: Invitae Variant Classification Sherloc (09022015). Collection method: clinical testing. Allele origin: germline.
Comment: This sequence change creates a premature translational stop signal (p.Gln218*) in the ATM gene. It is expected to result in an absent or disrupted protein product. Loss-of-function variants in ATM are known to be pathogenic (PMID: 23807571, 25614872). This variant is not present in population databases (gnomAD no frequency). This premature translational stop signal has been observed in individual(s) with prostate cancer and breast cancer (PMID: 27553368, 29659569). ClinVar contains an entry for this variant (Variation ID: 451807). For these reasons, this variant has been classified as Pathogenic.

Natera, Inc.
Classification: Likely pathogenic for Ataxia-telangiectasia. Last evaluated: 2025-09-10. Review status: criteria provided, single submitter. Criteria: Natera Variant Classification Schema (03/2026). Collection method: clinical testing. Allele origin: germline.
Comment: The c.652C>T variant in ATM is a nonsense variant predicted to introduce a stop codon at amino acid 218. This variant is expected to result in nonsense mediated decay, truncation, or a dysfunctional protein product. This variant is rare in the general population with a frequency below the threshold expected for the associated phenotype(s). Given the available evidence, this variant is classified as Likely Pathogenic.

Dasa
Classification: Pathogenic for Ataxia-telangiectasia syndrome. Last evaluated: 2025-08-20. Review status: criteria provided, single submitter. Criteria: DASA Assertion Criteria. Collection method: clinical testing. Allele origin: germline. Observed: 1 variant allele.
Comment: NM_000051.4(ATM):c.652C>T (p.Gln218*) introduces a premature termination codon leading to truncation of the ATM protein. Loss-of-function is an established mechanism of disease for this gene. This variant has been reported in ClinVar and is present at low frequency in population datasets. Based on the available data, this variant is classified as Pathogenic.

Ambry Genetics
Classification: Pathogenic for Hereditary cancer-predisposing syndrome. Last evaluated: 2025-04-29. Review status: criteria provided, single submitter. Criteria: Ambry Variant Classification Scheme 2023. Collection method: clinical testing. Allele origin: germline.
Comment: The p.Q218* pathogenic mutation (also known as c.652C>T), located in coding exon 5 of the ATM gene, results from a C to T substitution at nucleotide position 652. This changes the amino acid from a glutamine to a stop codon within coding exon 5. This variant is considered to be rare based on population cohorts in the Genome Aggregation Database (gnomAD). In addition to the clinical data presented in the literature, this alteration is expected to result in loss of function by premature protein truncation or nonsense-mediated mRNA decay. As such, this alteration is interpreted as a disease-causing mutation.

CeGaT Center for Human Genetics Tuebingen
Classification: Pathogenic. Last evaluated: 2025-04-01. Review status: criteria provided, single submitter. Criteria: CeGaT Center For Human Genetics Tuebingen Variant Classification Criteria Version 2. Collection method: clinical testing. Allele origin: germline. Affected: yes. Observed: 1 variant allele.
Comment: ATM: PVS1, PM2, PS4:Moderate

Women's Health and Genetics/Laboratory Corporation of America, LabCorp
Classification: Pathogenic for Ataxia-telangiectasia syndrome. Last evaluated: 2024-12-03. Review status: criteria provided, single submitter. Criteria: LabCorp Variant Classification Summary - May 2015. Collection method: clinical testing. Allele origin: germline.
Comment: Variant summary: ATM c.652C>T (p.Gln218X) results in a premature termination codon, predicted to cause a truncation of the encoded protein or absence of the protein due to nonsense mediated decay, which are commonly known mechanisms for disease. The variant was absent in 251148 control chromosomes. c.652C>T has been reported in the literature in individuals affected with breast cancer or prostate cancer (Pinto_2016, Paulo_2018). To our knowledge, no experimental evidence demonstrating an impact on protein function has been reported. The following publications have been ascertained in the context of this evaluation (PMID: 29659569, 27553368). ClinVar contains an entry for this variant (Variation ID: 451807). Based on the evidence outlined above, the variant was classified as pathogenic.

Myriad Genetics, Inc.
Classification: Pathogenic for Familial cancer of breast. Last evaluated: 2024-01-09. Review status: criteria provided, single submitter. Criteria: Myriad Autosomal Dominant, Autosomal Recessive and X-Linked Classification Criteria (2023). Collection method: clinical testing. Allele origin: unknown.
Comment: This variant is considered pathogenic. This variant creates a termination codon and is predicted to result in premature protein truncation.

Quest Diagnostics Nichols Institute San Juan Capistrano
Classification: Pathogenic. Last evaluated: 2023-12-20. Review status: criteria provided, single submitter. Criteria: Quest Diagnostics criteria. Collection method: clinical testing. Allele origin: unknown.
Comment: The ATM c.652C>T (p.Gln218*) nonsense variant causes the premature termination of ATM protein synthesis. This variant has been reported in the published literature in individuals with early-onset breast cancer (PMID: 27553368 (2016)), and prostate cancer (PMIDs: 37436117 (2023), 29659569 (2018)). This variant has not been reported in large, multi-ethnic general populations (Genome Aggregation Database). Based on the available information, this variant is classified as pathogenic.

Color Diagnostics, LLC DBA Color Health
Classification: Pathogenic for Hereditary cancer-predisposing syndrome. Last evaluated: 2023-09-18. Review status: criteria provided, single submitter. Criteria: ACMG Guidelines, 2015. Collection method: clinical testing. Allele origin: germline.
Comment: This variant changes 1 nucleotide in exon 6 of the ATM gene, creating a premature translation stop signal. This variant is expected to result in an absent or non-functional protein product. This variant has been reported in individuals affected with bilateral breast cancer and prostate cancer in the literature (PMID: 27553368, 29659569). This variant has not been identified in the general population by the Genome Aggregation Database (gnomAD). Loss of ATM function is a known mechanism of disease. Based on the available evidence, this variant is classified as Pathogenic.

GeneDx
Classification: Likely pathogenic. Last evaluated: 2017-08-31. Review status: criteria provided, single submitter. Criteria: GeneDx Variant Classification (06012015). Collection method: clinical testing. Allele origin: germline. Affected: yes.
Comment: This variant is denoted ATM c.652C>T at the cDNA level and p.Gln218Ter (Q218X) at the protein level.The substitution creates a nonsense variant, which changes a Glutamine to a premature stop codon (CAG>TAG), andis predicted to cause loss of normal protein function through either protein truncation or nonsense-mediated mRNAdecay. ATM Gln218Ter has been reported in at least one family with multiple cases of breast cancer (Pinto 2016) and isconsidered likely pathogenic.

Literature cited by the submitters: PubMed 23807571 (cited by Labcorp Genetics (formerly Invitae), Labcorp); PubMed 25614872 (cited by Labcorp Genetics (formerly Invitae), Labcorp); PubMed 27553368 (cited by 5 submitters); PubMed 29659569 (cited by 5 submitters); PubMed 37436117 (cited by Quest Diagnostics Nichols Institute San Juan Capistrano).